The following is an entry in ClinVar:

NM_014208.3(DSPP):c.1500T>A (p.Asp500Glu)

Genes: DMP1-AS1 (DMP1 and DSPP antisense RNA 1; minus strand), DSPP (dentin sialophosphoprotein; plus strand). Cytogenetic location: 4q22.1.
Variant type: single nucleotide variant.
Coding change: c.1500T>A on transcript NM_014208.3 (MANE Select); coding-DNA position 1500, T replaced by A.
Protein change: p.Asp500Glu; replaces aspartic acid 500 with glutamic acid.
Molecular consequence: missense variant.
Genome position (GRCh38, 1-based): chr4:87,614,162, T>A. VCF-style: chr4-87614162-T-A. GRCh37 (hg19) VCF-style: chr4-88535314-T-A.
Other names: short protein forms D500E.
Identifiers: ClinVar variation 2589737 (VCV002589737.3), dbSNP rs755984774, ClinGen allele CA3001111.

ClinVar aggregate classification (germline): Uncertain significance. Review status: criteria provided, multiple submitters, no conflicts (2 of 4 stars). 2 submissions from 2 submitters: Uncertain significance (2). Last evaluated 2026-09-10.

Conditions:
DSPP-related disorder. Also called: DSPP-related condition.
Inborn genetic diseases. Identifiers: MedGen C0950123, MeSH D030342.

Allele frequency attached by ClinVar (database versions not stated): ExAC 0.00001; TOPMed 0.00002; gnomAD 0.00003.

Submissions (2):

PreventionGenetics, part of Exact Sciences
Classification: Uncertain significance for DSPP-related condition. Last evaluated: 2026-09-10. Review status: criteria provided, single submitter. Criteria: ACMG Guidelines, 2015. Collection method: clinical testing. Allele origin: germline.
Comment: The DSPP c.1500T>A variant is predicted to result in the amino acid substitution p.Asp500Glu. To our knowledge, this variant has not been reported in the literature. This variant is reported in 0.0023% of alleles in individuals of European (Non-Finnish) descent in gnomAD. At this time, the clinical significance of this variant is uncertain due to the absence of conclusive functional and genetic evidence.

Ambry Genetics
Classification: Uncertain significance for Inborn genetic diseases. Last evaluated: 2023-08-24. Review status: criteria provided, single submitter. Criteria: Ambry Variant Classification Scheme 2023. Collection method: clinical testing. Allele origin: germline.